The following is an entry in ClinVar:

ClinVar aggregate classification (germline): Uncertain significance (1 of 4 stars; one submission).

gnomAD v4.1: 2 of 1,613,564 alleles (0.00012%); highest among the groups gnomAD compares: Non-Finnish European, 0.00017%; no homozygotes.

Submission:

Dasa
Classification: Uncertain significance. Last evaluated: 2026-07-08. Review status: criteria provided, single submitter. Criteria: DASA Assertion Criteria. Collection method: clinical testing. Allele origin: germline.
Comment: NM_001278716.2(FBXL4):c.1699T>G (p.Leu567Val) is a missense variant that results in the substitution of leucine with valine. The affected residue or protein region has prior evidence supporting clinical relevance. This variant has been observed in affected individuals with FBXL4-related disorders. Also, this variant is rare in population databases. The currently available literature and clinical evidence are not sufficient to establish a definitive association between this variant and the reported condition. Therefore, this variant is classified as a variant of uncertain significance.

NM_001278716.2(FBXL4):c.1699T>G (p.Leu567Val)

Gene: FBXL4 (F-box and leucine rich repeat protein 4; minus strand). Cytogenetic location: 6q16.1.
Variant type: single nucleotide variant.
Coding change: c.1699T>G on transcript NM_001278716.2 (MANE Select); coding-DNA position 1699, T replaced by G.
Protein change: p.Leu567Val; replaces leucine 567 with valine.
Molecular consequence: missense variant. On other transcripts: non-coding transcript variant (1).
Genome position (GRCh38, 1-based): chr6:98,875,418, A>C on the plus strand (T>G on the coding strand, the complement: FBXL4 is on the minus strand). VCF-style: chr6-98875418-A-C. GRCh37 (hg19) VCF-style: chr6-99323294-A-C.
Other names: c.1699T>G, p.Leu567Val (NM_012160.5); short protein forms L567V.
Identifiers: ClinVar variation 5020221 (VCV005020221.1).